The following is an entry in ClinVar:

NM_006231.4(POLE):c.5653G>A (p.Ala1885Thr)

Gene: POLE (DNA polymerase epsilon, catalytic subunit; minus strand). Cytogenetic location: 12q24.33.
Variant type: single nucleotide variant.
Coding change: c.5653G>A on transcript NM_006231.4 (MANE Select); coding-DNA position 5653, G replaced by A.
Protein change: p.Ala1885Thr; replaces alanine 1885 with threonine.
Molecular consequence: missense variant.
Genome position (GRCh38, 1-based): chr12:132,638,039, C>T on the plus strand (G>A on the coding strand, the complement: POLE is on the minus strand). VCF-style: chr12-132638039-C-T. GRCh37 (hg19) VCF-style: chr12-133214625-C-T.
Other names: short protein forms A1885T.
Identifiers: ClinVar variation 405886 (VCV000405886.21), dbSNP rs748008084, ClinGen allele CA6892452.

ClinVar aggregate classification (germline): Uncertain significance. Review status: criteria provided, multiple submitters, no conflicts (2 of 4 stars). 6 submissions from 6 submitters: Uncertain significance (5). 1 of the submissions does not count toward it. Last evaluated 2025-12-21.

Conditions:
Colorectal cancer, susceptibility to, 12 (CRCS12). Also called: COLORECTAL CANCER, SUSCEPTIBILITY TO, ON CHROMOSOME 12q24. Identifiers: Orphanet 220460, MedGen C3554460, MONDO:0014038, OMIM 615083.
Hereditary cancer-predisposing syndrome. Also called: Hereditary Cancer Syndrome; Tumor predisposition; Neoplastic Syndromes, Hereditary; Hereditary neoplastic syndrome. Identifiers: Orphanet 140162, MedGen C0027672, MeSH D009386, MONDO:0015356.
Malignant tumor of breast. Also called: Malignant breast neoplasm; Cancer breast. Identifiers: MedGen C0006142, MONDO:0007254. Disease mechanism: loss of function.

Allele frequency attached by ClinVar (database versions not stated): gnomAD 0.00003 and 0.00004; TOPMed 0.00003; ExAC 0.00004.
gnomAD v4.1: 98 of 1,613,870 alleles (0.0061%); highest among the groups gnomAD compares: Middle Eastern, 0.016%; no homozygotes.

Submissions (6):

Labcorp Genetics (formerly Invitae), Labcorp
Classification: Uncertain significance. Last evaluated: 2025-12-21. Review status: criteria provided, single submitter. Criteria: Invitae Variant Classification Sherloc (09022015). Collection method: clinical testing. Allele origin: germline.
Comment: This sequence change replaces alanine, which is neutral and non-polar, with threonine, which is neutral and polar, at codon 1885 of the POLE protein (p.Ala1885Thr). This variant is present in population databases (rs748008084, gnomAD 0.009%). This missense change has been observed in individual(s) with breast cancer (PMID: 33558524). ClinVar contains an entry for this variant (Variation ID: 405886). Invitae Evidence Modeling of protein sequence and biophysical properties (such as structural, functional, and spatial information, amino acid conservation, physicochemical variation, residue mobility, and thermodynamic stability) indicates that this missense variant is not expected to disrupt POLE protein function with a negative predictive value of 80%. In summary, the available evidence is currently insufficient to determine the role of this variant in disease. Therefore, it has been classified as a Variant of Uncertain Significance.

Ambry Genetics
Classification: Uncertain significance for Hereditary cancer-predisposing syndrome. Last evaluated: 2024-10-17. Review status: criteria provided, single submitter. Criteria: Ambry Variant Classification Scheme 2023. Collection method: clinical testing. Allele origin: germline.
Comment: The p.A1885T variant (also known as c.5653G>A), located in coding exon 41 of the POLE gene, results from a G to A substitution at nucleotide position 5653. The alanine at codon 1885 is replaced by threonine, an amino acid with similar properties. This amino acid position is not well conserved in available vertebrate species. In addition, this alteration is predicted to be tolerated by in silico analysis. Based on the available evidence, the clinical significance of this variant remains unclear.

GeneDx
Classification: Uncertain significance. Last evaluated: 2023-03-07. Review status: criteria provided, single submitter. Criteria: GeneDx Variant Classification Process June 2021. Collection method: clinical testing. Allele origin: germline. Affected: yes.
Comment: In silico analysis supports that this missense variant does not alter protein structure/function; Observed in an individual with breast cancer (Moradian et al., 2021); This variant is associated with the following publications: (PMID: 31034466, 33558524)

Genetics and Molecular Pathology, SA Pathology
Classification: Uncertain significance for Colorectal cancer, susceptibility to, 12. Last evaluated: 2020-06-05. Review status: criteria provided, single submitter. Criteria: ACMG Guidelines, 2015. Collection method: clinical testing. Allele origin: germline. Affected: yes.

Quest Diagnostics Nichols Institute San Juan Capistrano
Classification: Uncertain significance. Last evaluated: 2017-10-09. Review status: criteria provided, single submitter. Criteria: Quest Diagnostics criteria. Collection method: clinical testing. Allele origin: germline.

Center of Medical Genetics and Primary Health Care
Classification: Uncertain significance for Breast Cancer. Review status: no assertion criteria provided. Collection method: clinical testing. Allele origin: germline. Affected: yes. Observed: 1 heterozygote. Not counted in ClinVar's aggregate classification.

Literature cited by the submitters: PubMed 33558524 (cited by Labcorp Genetics (formerly Invitae), Labcorp).